The following is an entry in ClinVar:

ClinVar aggregate classification (germline): Pathogenic (1 of 4 stars; one submission).

Submission:

GeneDx
Classification: Pathogenic. Last evaluated: 2022-12-14. Review status: criteria provided, single submitter. Criteria: GeneDx Variant Classification Process June 2021. Collection method: clinical testing. Allele origin: germline. Affected: yes.
Comment: Nonsense variant predicted to result in protein truncation, as the last 497 amino acids are lost, and other loss-of-function variants have been reported downstream in HGMD; Not observed at significant frequency in large population cohorts (gnomAD); This variant is associated with the following publications: (PMID: 30349098)

NM_001374828.1(ARID1B):c.5626G>T (p.Glu1876Ter)

Gene: ARID1B (AT-rich interaction domain 1B; plus strand). Cytogenetic location: 6q25.3.
Variant type: single nucleotide variant.
Coding change: c.5626G>T on transcript NM_001374828.1 (MANE Select); coding-DNA position 5626, G replaced by T.
Protein change: p.Glu1876Ter; replaces glutamic acid 1876 with a stop codon.
Molecular consequence: nonsense.
Genome position (GRCh38, 1-based): chr6:157,206,398, G>T. VCF-style: chr6-157206398-G-T. GRCh37 (hg19) VCF-style: chr6-157527532-G-T.
Other names: c.5377G>T, p.Glu1793Ter (NM_001346813.1); c.3127G>T, p.Glu1043Ter (NM_001363725.2); c.5506G>T, p.Glu1836Ter (NM_001371656.1, NM_001374820.1); c.5467G>T, p.Glu1823Ter (NM_017519.3); c.5257G>T, p.Glu1753Ter (NM_020732.3); c.5044G>T, p.Glu1682Ter (NM_175863.2); short protein forms E1043*, E1682*, E1753*, E1793*, E1823*, E1836*, E1876*.
Identifiers: ClinVar variation 2505977 (VCV002505977.1), dbSNP rs376495346, ClinGen allele CA366246258.